The following is an entry in ClinVar:

ClinVar aggregate classification (germline): Uncertain significance (1 of 4 stars; one submission).

Conditions:
Alstrom syndrome (ALMS). Identifiers: Orphanet 64, MedGen C0268425, MONDO:0008763, OMIM 203800.

Submission:

Labcorp Genetics (formerly Invitae), Labcorp
Classification: Uncertain significance for Alstrom syndrome. Last evaluated: 2025-02-10. Review status: criteria provided, single submitter. Criteria: Invitae Variant Classification Sherloc (09022015). Collection method: clinical testing. Allele origin: germline.
Comment: This sequence change replaces isoleucine, which is neutral and non-polar, with arginine, which is basic and polar, at codon 2207 of the ALMS1 protein (p.Ile2207Arg). This variant is not present in population databases (gnomAD no frequency). This variant has not been reported in the literature in individuals affected with ALMS1-related conditions. ClinVar contains an entry for this variant (Variation ID: 1444052). Experimental studies and prediction algorithms are not available or were not evaluated, and the functional significance of this variant is currently unknown. In summary, the available evidence is currently insufficient to determine the role of this variant in disease. Therefore, it has been classified as a Variant of Uncertain Significance.

NM_001378454.1(ALMS1):c.6617T>G (p.Ile2206Arg)

Gene: ALMS1 (ALMS1 centrosome and basal body associated protein; plus strand). Cytogenetic location: 2p13.1.
Variant type: single nucleotide variant.
Coding change: c.6617T>G on transcript NM_001378454.1 (MANE Select); coding-DNA position 6617, T replaced by G.
Protein change: p.Ile2206Arg; replaces isoleucine 2206 with arginine.
Molecular consequence: missense variant.
Genome position (GRCh38, 1-based): chr2:73,453,144, T>G. VCF-style: chr2-73453144-T-G. GRCh37 (hg19) VCF-style: chr2-73680271-T-G.
Other names: c.6620T>G, p.Ile2207Arg (NM_015120.4); short protein forms I2206R, I2207R.
Identifiers: ClinVar variation 1444052 (VCV001444052.6), dbSNP rs1671985244, ClinGen allele CA347288798.